The following is an entry in ClinVar:

NM_014396.4(VPS41):c.2359+6T>G

Gene: VPS41 (VPS41 subunit of HOPS complex; minus strand). Cytogenetic location: 7p14.1.
Variant type: single nucleotide variant.
Coding change: c.2359+6T>G on transcript NM_014396.4 (MANE Select); 6 bases into the intron after coding-DNA position 2359, T replaced by G.
Molecular consequence: intron variant.
Genome position (GRCh38, 1-based): chr7:38,728,686, A>C on the plus strand (T>G on the coding strand, the complement: VPS41 is on the minus strand). VCF-style: chr7-38728686-A-C. GRCh37 (hg19) VCF-style: chr7-38768286-A-C.
Other names: c.2284+6T>G (NM_080631.4).
Identifiers: ClinVar variation 2444671 (VCV002444671.2), dbSNP rs1174611234, ClinGen allele CA574229693.
Genomic context (GRCh38, chr7:38,728,686, plus strand): 5'-ATACCTGCTTGGCCATTTCTGAAAGCAGGGCACGTGGTTCCATATGATTATTTCAATTTT[A>C]CCCACCATCAACAAGAACACCTTTCATTTGAGTTCGGTGCATTTTCTTCAGTAAGGACAA-3'

ClinVar aggregate classification (germline): Uncertain significance (1 of 4 stars; one submission).

Allele frequency attached by ClinVar (database versions not stated): gnomAD exomes below 0.00001.
gnomAD v4.1: 3 of 1,614,002 alleles (0.00019%); highest among the groups gnomAD compares: Non-Finnish European, 0.00025%; no homozygotes.

Submission:

GeneDx
Classification: Uncertain significance. Last evaluated: 2024-09-21. Review status: criteria provided, single submitter. Criteria: GeneDx Variant Classification Process June 2021. Collection method: clinical testing. Allele origin: germline.
Comment: Not observed at significant frequency in large population cohorts (gnomAD); In silico analysis supports a deleterious effect on splicing; Has not been previously published as pathogenic or benign to our knowledge